The following is an entry in ClinVar:

ClinVar aggregate classification (germline): Uncertain significance (1 of 4 stars; one submission).

Conditions:
Marfan syndrome (MFS). Also called: MARFAN SYNDROME, TYPE I; Marfan syndrome type 1; Marfan's syndrome; FBN1-Related Marfan Syndrome; Marfan syndrome, classic. Identifiers: Orphanet 284963, Orphanet 558, MedGen C0024796, MONDO:0007947, OMIM 154700.

gnomAD v4.1: 4 of 1,614,022 alleles (0.00025%); highest among the groups gnomAD compares: East Asian, 0.0022%; no homozygotes.

Submission:

All of Us Research Program, National Institutes of Health
Classification: Uncertain significance for Marfan syndrome. Last evaluated: 2024-05-14. Review status: criteria provided, single submitter. Criteria: ACMG Guidelines, 2015. Collection method: clinical testing. Allele origin: germline. Inheritance: Autosomal dominant inheritance. Observed: 1 variant allele, 1 heterozygote.
Comment: This missense variant replaces isoleucine with threonine at codon 1355 of the FBN1 protein. Computational prediction suggests that this variant may not impact protein structure and function (internally defined REVEL score threshold <= 0.5, PMID: 27666373). To our knowledge, functional studies have not been reported for this variant. This variant has not been reported in individuals affected with FBN1-related disorders in the literature. This variant has been identified in 2/251392 chromosomes in the general population by the Genome Aggregation Database (gnomAD). The available evidence is insufficient to determine the role of this variant in disease conclusively. Therefore, this variant is classified as a Variant of Uncertain Significance.

This study involves interpretation of variants in research participants for the purpose of population health screening. Participant phenotype was not available at the time of variant classification. Additional details can be found in publication PMID: 35346344, PMCID: PMC8962531

NM_000138.5(FBN1):c.4064T>C (p.Ile1355Thr)

Gene: FBN1 (fibrillin 1; minus strand). Cytogenetic location: 15q21.1.
Variant type: single nucleotide variant.
Coding change: c.4064T>C on transcript NM_000138.5 (MANE Select); coding-DNA position 4064, T replaced by C.
Protein change: p.Ile1355Thr; replaces isoleucine 1355 with threonine.
Molecular consequence: missense variant.
Genome position (GRCh38, 1-based): chr15:48,474,551, A>G on the plus strand (T>C on the coding strand, the complement: FBN1 is on the minus strand). VCF-style: chr15-48474551-A-G. GRCh37 (hg19) VCF-style: chr15-48766748-A-G.
Other names: c.4064T>C, p.Ile1355Thr (NM_001406716.1); short protein forms I1355T.
Identifiers: ClinVar variation 3386809 (VCV003386809.1).